The following is an entry in ClinVar:

ClinVar aggregate classification (germline): Uncertain significance. Review status: criteria provided, multiple submitters, no conflicts (2 of 4 stars). 3 submissions from 2 submitters: Uncertain significance (3). Last evaluated 2026-02-03.

Conditions:
Tibial muscular dystrophy (TMD). Also called: UDD MYOPATHY; Tibial muscular dystrophy, tardive; Udd Distal Myopathy – Tibial Muscular Dystrophy. Identifiers: Orphanet 609, MedGen C1838244, MONDO:0010870, OMIM 600334.
Right ventricular cardiomyopathy. Identifiers: MedGen C2063326, HP:0011663.

gnomAD v4.1: 11 of 1,613,890 alleles (0.00068%); highest among the groups gnomAD compares: Non-Finnish European, 0.00093%; no homozygotes.

Submissions (3):

Women's Health and Genetics/Laboratory Corporation of America, LabCorp
Classification: Uncertain significance. Last evaluated: 2026-02-03. Review status: criteria provided, single submitter. Criteria: LabCorp Variant Classification Summary - May 2015. Collection method: clinical testing. Allele origin: germline.
Comment: Variant summary: TTN c.10361-2259T>C is located at a position not widely known to affect splicing. This variant corresponds to c.12614T>C, p.Leu4205Ser in NM_001267550. Consensus agreement among computation tools predict no significant impact on normal splicing. However, these predictions have yet to be confirmed by functional studies. The variant was absent in 248622 control chromosomes. The available data on variant occurrences in the general population are insufficient to allow any conclusion about variant significance. To our knowledge, no occurrence of c.10361-2259T>C in individuals affected with TTN-related conditions and no experimental evidence demonstrating its impact on protein function have been reported. ClinVar contains an entry for this variant (Variation ID: 374150). Based on the evidence outlined above, the variant was classified as uncertain significance.

Centre for Mendelian Genomics, University Medical Centre Ljubljana
Classification: Uncertain significance for Tibial muscular dystrophy. Last evaluated: 2016-01-01. Review status: criteria provided, single submitter. Criteria: ACMG Guidelines, 2015. Collection method: clinical testing. Allele origin: unknown. Affected: yes.
Comment: This variant was classified as: Uncertain significance.

Centre for Mendelian Genomics, University Medical Centre Ljubljana
Classification: Uncertain significance for Right ventricular cardiomyopathy. Last evaluated: 2013-12-13. Review status: criteria provided, single submitter. Criteria: ACMG Guidelines, 2015. Collection method: clinical testing. Allele origin: unknown. Affected: yes.

NM_001267550.2(TTN):c.12614T>C (p.Leu4205Ser)

Gene: TTN (titin; minus strand). Cytogenetic location: 2q31.2.
Variant type: single nucleotide variant.
Coding change: c.12614T>C on transcript NM_001267550.2 (MANE Select); coding-DNA position 12614, T replaced by C.
Protein change: p.Leu4205Ser; replaces leucine 4205 with serine.
Molecular consequence: missense variant. On other transcripts: intron variant (1).
Genome position (GRCh38, 1-based): chr2:178,740,619, A>G on the plus strand (T>C on the coding strand, the complement: TTN is on the minus strand). VCF-style: chr2-178740619-A-G. GRCh37 (hg19) VCF-style: chr2-179605346-A-G.
Other names: c.12614T>C (LRG_391t1); c.11663T>C, p.Leu3888Ser (NM_001256850.1); c.11525T>C, p.Leu3842Ser (NM_003319.4); c.11900T>C, p.Leu3967Ser (NM_133432.3); c.12101T>C, p.Leu4034Ser (NM_133437.4); c.10361-2259T>C (NM_133378.4); short protein forms L4205S, L3842S, L3967S, L3888S, L4034S.
Identifiers: ClinVar variation 374150 (VCV000374150.5), dbSNP rs1057518931, ClinGen allele CA16043383.